The following is an entry in ClinVar:

NM_001631.5(ALPI):c.1528G>C (p.Ala510Pro)

Gene: ALPI (alkaline phosphatase, intestinal; plus strand). Cytogenetic location: 2q37.1.
Variant type: single nucleotide variant.
Coding change: c.1528G>C on transcript NM_001631.5 (MANE Select); coding-DNA position 1528, G replaced by C.
Protein change: p.Ala510Pro; replaces alanine 510 with proline.
Molecular consequence: missense variant.
Genome position (GRCh38, 1-based): chr2:232,459,087, G>C. VCF-style: chr2-232459087-G-C. GRCh37 (hg19) VCF-style: chr2-233323797-G-C.
Other names: p.Ala510Pro; short protein forms A510P.
Identifiers: ClinVar variation 4540823 (VCV004540823.1).

ClinVar aggregate classification (germline): Uncertain significance (1 of 4 stars; one submission).

Submission:

Mayo Clinic Laboratories, Mayo Clinic
Classification: Uncertain significance. Last evaluated: 2025-10-24. Review status: criteria provided, single submitter. Criteria: ACMG Guidelines, 2015. Collection method: clinical testing. Allele origin: germline. Observed: 1 variant allele.
Comment: BP4_moderate, PM2_supporting